The following is an entry in ClinVar:

NM_018451.5(CPAP):c.3961G>A (p.Gly1321Ser)

Genes: CPAP (centrosome assembly and centriole elongation protein; minus strand), RNF17 (ring finger protein 17; plus strand). Cytogenetic location: 13q12.12.
Variant type: single nucleotide variant.
Coding change: c.3961G>A on transcript NM_018451.5 (MANE Select); coding-DNA position 3961, G replaced by A.
Protein change: p.Gly1321Ser; replaces glycine 1321 with serine.
Molecular consequence: missense variant. On other transcripts: non-coding transcript variant (2).
Genome position (GRCh38, 1-based): chr13:24,883,233, C>T on the plus strand (G>A on the coding strand, the complement: CPAP is on the minus strand). VCF-style: chr13-24883233-C-T. GRCh37 (hg19) VCF-style: chr13-25457371-C-T.
Other names: c.3961G>A (NM_018451.3); short protein forms G1321S.
Identifiers: ClinVar variation 1347233 (VCV001347233.9), dbSNP rs758643085, ClinGen allele CA6919087.

ClinVar aggregate classification (germline): Uncertain significance. Review status: criteria provided, multiple submitters, no conflicts (2 of 4 stars). 2 submissions from 2 submitters: Uncertain significance (2). Last evaluated 2024-07-14.

Conditions:
Inborn genetic diseases. Identifiers: MedGen C0950123, MeSH D030342.

Allele frequency attached by ClinVar (database versions not stated): gnomAD 0.00001; ExAC 0.00002; gnomAD exomes 0.00002 and 0.00003; TOPMed 0.00003.
gnomAD v4.1: 26 of 1,613,934 alleles (0.0016%); highest among the groups gnomAD compares: Admixed American, 0.0067%; no homozygotes.

Submissions (2):

Ambry Genetics
Classification: Uncertain significance for Inborn genetic diseases. Last evaluated: 2024-07-14. Review status: criteria provided, single submitter. Criteria: Ambry Variant Classification Scheme 2023. Collection method: clinical testing. Allele origin: germline.

Labcorp Genetics (formerly Invitae), Labcorp
Classification: Uncertain significance. Last evaluated: 2022-06-27. Review status: criteria provided, single submitter. Criteria: Invitae Variant Classification Sherloc (09022015). Collection method: clinical testing. Allele origin: germline.
Comment: Algorithms developed to predict the effect of missense changes on protein structure and function are either unavailable or do not agree on the potential impact of this missense change (SIFT: "Deleterious"; PolyPhen-2: "Probably Damaging"; Align-GVGD: "Class C0"). In summary, the available evidence is currently insufficient to determine the role of this variant in disease. Therefore, it has been classified as a Variant of Uncertain Significance. This variant has not been reported in the literature in individuals affected with CENPJ-related conditions. This variant is present in population databases (rs758643085, gnomAD 0.007%). This sequence change replaces glycine, which is neutral and non-polar, with serine, which is neutral and polar, at codon 1321 of the CENPJ protein (p.Gly1321Ser).